The following is an entry in ClinVar:

ClinVar aggregate classification (germline): Uncertain significance. Review status: criteria provided, multiple submitters, no conflicts (2 of 4 stars). 3 submissions from 3 submitters: Uncertain significance (3). Last evaluated 2026-04-27.

Conditions:
USP53-related disorder. Also called: USP53-related condition.
Premature menopause. Identifiers: MedGen C0025322, MONDO:0001119.

Allele frequency attached by ClinVar (database versions not stated): ESP Exome Variant Server 0.00042; gnomAD exomes 0.00047 and 0.00105; gnomAD 0.00071 and 0.00078; ExAC 0.00049; TOPMed 0.00077.
gnomAD v4.1: 1,671 of 1,613,654 alleles (0.1%); highest among the groups gnomAD compares: Non-Finnish European, 0.13%; 1 homozygote.

Submissions (3):

PreventionGenetics, part of Exact Sciences
Classification: Uncertain significance for USP53-related condition. Last evaluated: 2026-04-27. Review status: criteria provided, single submitter. Criteria: ACMG Guidelines, 2015. Collection method: clinical testing. Allele origin: germline.
Comment: The USP53 c.173G>A variant is predicted to result in the amino acid substitution p.Arg58Gln. This variant was reported in an individual with premature ovarian insufficiency (Tucker et al. 2019. PubMed ID: 30924587). This variant is reported in 0.090% of alleles in individuals of European (Non-Finnish) descent in gnomAD. At this time, the clinical significance of this variant is uncertain due to the absence of conclusive functional and genetic evidence.

Labcorp Genetics (formerly Invitae), Labcorp
Classification: Uncertain significance. Last evaluated: 2024-08-31. Review status: criteria provided, single submitter. Criteria: Invitae Variant Classification Sherloc (09022015). Collection method: clinical testing. Allele origin: germline.
Comment: This sequence change replaces arginine, which is basic and polar, with glutamine, which is neutral and polar, at codon 58 of the USP53 protein (p.Arg58Gln). This variant is present in population databases (rs201205533, gnomAD 0.08%), and has an allele count higher than expected for a pathogenic variant. This variant has not been reported in the literature in individuals affected with USP53-related conditions. ClinVar contains an entry for this variant (Variation ID: 619050). Invitae Evidence Modeling of protein sequence and biophysical properties (such as structural, functional, and spatial information, amino acid conservation, physicochemical variation, residue mobility, and thermodynamic stability) indicates that this missense variant is expected to disrupt USP53 protein function with a positive predictive value of 80%. In summary, the available evidence is currently insufficient to determine the role of this variant in disease. Therefore, it has been classified as a Variant of Uncertain Significance.

Reproductive Development, Murdoch Childrens Research Institute
Classification: Uncertain significance for Premature ovarian insufficiency. Last evaluated: 2018-01-10. Review status: criteria provided, single submitter. Criteria: ACMG Guidelines, 2015. Collection method: research. Allele origin: paternal, germline. Affected: yes. Observed: 2 variant alleles.

NM_001371395.1(USP53):c.173G>A (p.Arg58Gln)

Gene: USP53 (ubiquitin specific peptidase 53; plus strand). Cytogenetic location: 4q26.
Variant type: single nucleotide variant.
Coding change: c.173G>A on transcript NM_001371395.1 (MANE Select); coding-DNA position 173, G replaced by A.
Protein change: p.Arg58Gln; replaces arginine 58 with glutamine.
Molecular consequence: missense variant. On other transcripts: 5 prime UTR variant (6).
Genome position (GRCh38, 1-based): chr4:119,245,365, G>A. VCF-style: chr4-119245365-G-A. GRCh37 (hg19) VCF-style: chr4-120166520-G-A.
Other names: c.173G>A, p.Arg58Gln (NM_001371396.1, NM_001371397.1, NM_001371398.1 and 6 more transcripts); c.-176G>A (NM_001389662.1, NM_001389663.1, NM_001389664.1 and 3 more transcripts); short protein forms R58Q.
Identifiers: ClinVar variation 619050 (VCV000619050.5), dbSNP rs201205533, ClinGen allele CA3058833.